The following is an entry in ClinVar:

ClinVar aggregate classification (germline): Uncertain significance (1 of 4 stars; one submission).

Submission:

GeneDx
Classification: Uncertain significance. Last evaluated: 2024-11-01. Review status: criteria provided, single submitter. Criteria: GeneDx Variant Classification Process June 2021. Collection method: clinical testing. Allele origin: germline. Affected: yes.
Comment: Not observed at significant frequency in large population cohorts (gnomAD); In silico analysis supports that this missense variant does not alter protein structure/function; Has not been previously published as pathogenic or benign to our knowledge

NM_025077.4(TOE1):c.320G>A (p.Arg107Gln)

Gene: TOE1 (target of EGR1, exonuclease; plus strand). Cytogenetic location: 1p34.1.
Variant type: single nucleotide variant.
Coding change: c.320G>A on transcript NM_025077.4 (MANE Select); coding-DNA position 320, G replaced by A.
Protein change: p.Arg107Gln; replaces arginine 107 with glutamine.
Molecular consequence: missense variant.
Genome position (GRCh38, 1-based): chr1:45,341,556, G>A. VCF-style: chr1-45341556-G-A. GRCh37 (hg19) VCF-style: chr1-45807228-G-A.
Other names: short protein forms R107Q.
Identifiers: ClinVar variation 3897196 (VCV003897196.1).